The following is an entry in ClinVar:

ClinVar aggregate classification (germline): Pathogenic/Likely pathogenic. Review status: criteria provided, multiple submitters, no conflicts (2 of 4 stars). 5 submissions from 5 submitters: Pathogenic (3); Likely pathogenic (1). 1 of the submissions does not count toward it. Last evaluated 2026-03-22.

Conditions:
LBR-related disorder. Also called: LBR-related disorders; LBR-related condition.
Greenberg dysplasia (GRBGD). Also called: HEM SKELETAL DYSPLASIA; MOTH-EATEN SKELETAL DYSPLASIA; CHONDRODYSTROPHY, HYDROPIC AND PRENATALLY LETHAL TYPE. Identifiers: Orphanet 1426, MedGen C2931048, MONDO:0008974, OMIM 215140.

Allele frequency attached by ClinVar (database versions not stated): TOPMed 0.00001.
gnomAD v4.1: 15 of 1,613,228 alleles (0.00093%); highest among the groups gnomAD compares: South Asian, 0.0033%; no homozygotes.

Submissions (5):

GeneDx
Classification: Likely pathogenic. Last evaluated: 2026-03-22. Review status: criteria provided, single submitter. Criteria: GeneDx Variant Classification Process June 2021. Collection method: clinical testing. Allele origin: germline.
Comment: Observed in homozygous state in probands with features consistent with a LBR-related disorder in the literature and referred for testing at GeneDx, and not observed in homozygous state in controls (PMID: 32304187); Published functional studies demonstrate that R583Q has a severe impact on sterol synthesis and severely reduces cell viability (PMID: 21327084, 27336722); In silico analysis supports that this missense variant has a deleterious effect on protein structure/function; This variant is associated with the following publications: (PMID: 30518689, 27336722, 21327084, 32304187, 37880672)

Blueprint Genetics
Classification: Pathogenic for LBR-related disorders. Last evaluated: 2024-08-27. Review status: criteria provided, single submitter. Criteria: ACMG Guidelines, 2015. Collection method: clinical testing. Allele origin: germline. Affected: yes. Observed: 1 variant allele.

Medical Genetics Center, Maternal and Child Health Hospital of Hubei Province
Classification: Pathogenic for Greenberg dysplasia. Last evaluated: 2020-11-26. Review status: criteria provided, single submitter. Criteria: ACMG Guidelines, 2015. Collection method: clinical testing. Allele origin: maternal. Affected: yes.

Juno Genomics, Hangzhou Juno Genomics, Inc
Classification: Pathogenic for Greenberg dysplasia. Review status: criteria provided, single submitter. Criteria: ACMG Guidelines, 2015. Collection method: clinical testing. Allele origin: germline.
Comment: Absent from controls (or at extremely low frequency if recessive) in Genome Aggregation Database.;Multiple lines of computational evidence support a deleterious effect on the gene or gene product.;For recessive disorders, detected in trans with a pathogenic variant.;Patient's phenotype or family history is highly specific for a disease with a single genetic etiology.

OMIM
Classification: Pathogenic for GREENBERG DYSPLASIA. Last evaluated: 2010-07-01. Review status: no assertion criteria provided. Collection method: literature only. Allele origin: germline. Not counted in ClinVar's aggregate classification.

Literature cited by the submitters: PubMed 27336722 (cited by Medical Genetics Center, Maternal and Child Health Hospital of Hubei Province); PubMed 21327084 (cited by Medical Genetics Center, Maternal and Child Health Hospital of Hubei Province and OMIM); PubMed 14684697 (cited by OMIM).

NM_002296.4(LBR):c.1748G>A (p.Arg583Gln)

Gene: LBR (lamin B receptor; minus strand). Cytogenetic location: 1q42.12.
Variant type: single nucleotide variant.
Coding change: c.1748G>A on transcript NM_002296.4 (MANE Select); coding-DNA position 1748, G replaced by A.
Protein change: p.Arg583Gln; replaces arginine 583 with glutamine.
Molecular consequence: missense variant.
Genome position (GRCh38, 1-based): chr1:225,403,403, C>T on the plus strand (G>A on the coding strand, the complement: LBR is on the minus strand). VCF-style: chr1-225403403-C-T. GRCh37 (hg19) VCF-style: chr1-225591105-C-T.
Other names: c.1748G>A, p.Arg583Gln (NM_194442.3); c.1748G>A (NM_002296.3); short protein forms R583Q.
Identifiers: ClinVar variation 100901 (VCV000100901.7), dbSNP rs587777172, ClinGen allele CA150662.